The following is an entry in ClinVar:

ClinVar aggregate classification (germline): Uncertain significance. Review status: criteria provided, multiple submitters, no conflicts (2 of 4 stars). 2 submissions from 2 submitters: Uncertain significance (2). Last evaluated 2025-08-06.

Conditions:
Epilepsy, familial focal, with variable foci 3 (FFEVF3). Identifiers: MedGen C4310708, MONDO:0014925, OMIM 617118.
Inborn genetic diseases. Identifiers: MedGen C0950123, MeSH D030342.

Allele frequency attached by ClinVar (database versions not stated): gnomAD exomes 0.00001; ExAC 0.00002; TOPMed 0.00002; gnomAD 0.00002.
gnomAD v4.1: 9 of 1,598,238 alleles (0.00056%); highest among the groups gnomAD compares: African/African-American, 0.004%; no homozygotes.

Submissions (2):

Labcorp Genetics (formerly Invitae), Labcorp
Classification: Uncertain significance for Epilepsy, familial focal, with variable foci 3. Last evaluated: 2025-08-06. Review status: criteria provided, single submitter. Criteria: Invitae Variant Classification Sherloc (09022015). Collection method: clinical testing. Allele origin: germline.
Comment: This sequence change replaces arginine, which is basic and polar, with histidine, which is basic and polar, at codon 422 of the NPRL3 protein (p.Arg422His). The frequency data for this variant in the population databases is considered unreliable, as metrics indicate poor data quality at this position in the gnomAD database. This variant has not been reported in the literature in individuals affected with NPRL3-related conditions. ClinVar contains an entry for this variant (Variation ID: 1439849). Invitae Evidence Modeling of protein sequence and biophysical properties (such as structural, functional, and spatial information, amino acid conservation, physicochemical variation, residue mobility, and thermodynamic stability) indicates that this missense variant is not expected to disrupt NPRL3 protein function with a negative predictive value of 80%. In summary, the available evidence is currently insufficient to determine the role of this variant in disease. Therefore, it has been classified as a Variant of Uncertain Significance.

Ambry Genetics
Classification: Uncertain significance for Inborn genetic diseases. Last evaluated: 2023-08-15. Review status: criteria provided, single submitter. Criteria: Ambry Variant Classification Scheme 2023. Collection method: clinical testing. Allele origin: germline.

NM_001077350.3(NPRL3):c.1265G>A (p.Arg422His)

Genes: HBA-LCR (alpha-globin locus control region; plus strand), NPRL3 (NPR3 like, GATOR1 complex subunit; minus strand). Cytogenetic location: 16p13.3.
Variant type: single nucleotide variant.
Coding change: c.1265G>A on transcript NM_001077350.3 (MANE Select); coding-DNA position 1265, G replaced by A.
Protein change: p.Arg422His; replaces arginine 422 with histidine.
Molecular consequence: missense variant.
Genome position (GRCh38, 1-based): chr16:89,799, C>T on the plus strand (G>A on the coding strand, the complement: NPRL3 is on the minus strand). VCF-style: chr16-89799-C-T. GRCh37 (hg19) VCF-style: chr16-139797-C-T.
Other names: c.1265G>A (NM_001077350.2); c.728G>A, p.Arg243His (NM_001039476.3); c.1031G>A, p.Arg344His (NM_001243247.2); c.1190G>A, p.Arg397His (NM_001243248.2, NM_001243249.2); short protein forms R243H, R422H, R344H, R397H.
Identifiers: ClinVar variation 1439849 (VCV001439849.7), dbSNP rs765841003, ClinGen allele CA7769397.